The following is an entry in ClinVar:

GRCh38/hg38 17q21.31(chr17:46130519-46380808)x3

Genes: ARL17B (ADP ribosylation factor like GTPase 17B; minus strand), KANSL1 (KAT8 regulatory NSL complex subunit 1), KANSL1-AS1 (KANSL1 antisense RNA 1), LRRC37A (leucine rich repeat containing 37A), LRRC37A2 (leucine rich repeat containing 37 member A2) and 3 more. Cytogenetic location: 17q21.31.
Variant type: copy number gain.
Change: copy number 3 (three copies instead of two) of chr17:46,130,519-46,380,808 (250.3 kb, GRCh38 coordinates, 1-based), cytogenetic band 17q21.31.
Identifiers: ClinVar variation 150265 (VCV000150265.2).

ClinVar aggregate classification (germline): Benign/Likely benign (0 of 4 stars; one submission).

Submission:

ISCA site 4
Classification: Benign/Likely benign. Last evaluated: 2012-09-21. Review status: no assertion criteria provided. Collection method: clinical testing. Allele origin: unknown. Affected: yes. Observed: 2 variant alleles.
Comment: Likely benign (1), Benign (1)

Copy number variation identified through the course of routine clinical cytogenomic testing in postnatal populations, with clinical assertions as classified by the original submitter.